The following is an entry in ClinVar:

ClinVar aggregate classification (germline): Benign/Likely benign. Review status: criteria provided, multiple submitters, no conflicts (2 of 4 stars). 22 submissions from 21 submitters: Benign (13); Likely benign (2). 7 of the submissions do not count toward it. Last evaluated 2026-02-04.

Conditions:
Myeloproliferative neoplasm, unclassifiable. Identifiers: Orphanet 86830, MedGen C1333046, MONDO:0019452.
Adams-Oliver syndrome 5 (AOS5). Identifiers: Orphanet 974, MedGen C4014970, MONDO:0014459, OMIM 616028.
Aortic valve disease 1 (AOVD1). Identifiers: MedGen C3887892, MONDO:0024523, OMIM 109730.
Familial thoracic aortic aneurysm and aortic dissection (TAAD). Also called: Thoracic aortic aneurysms and dissections. Identifiers: Orphanet 91387, MedGen C4707243, MONDO:0019625.

Allele frequency attached by ClinVar (database versions not stated): 1000 Genomes Project 30x 0.00547; 1000 Genomes Project 0.00639; gnomAD 0.01473 and 0.01511; TOPMed 0.01688; gnomAD exomes 0.01701 and 0.01959; ExAC 0.01783; ESP Exome Variant Server 0.01700.
gnomAD v4.1: 30,625 of 1,587,054 alleles (1.9%); highest among the groups gnomAD compares: Middle Eastern, 6.6%; 441 homozygotes.

Submissions (22):

Labcorp Genetics (formerly Invitae), Labcorp
Classification: Benign for Adams-Oliver syndrome 5. Last evaluated: 2026-02-04. Review status: criteria provided, single submitter. Criteria: Invitae Variant Classification Sherloc (09022015). Collection method: clinical testing. Allele origin: germline.

Dasa
Classification: Benign. Last evaluated: 2026-01-19. Review status: criteria provided, single submitter. Criteria: DASA Assertion Criteria. Collection method: clinical testing. Allele origin: germline.
Comment: NM_017617.5(NOTCH1):c.4129C>T (p.Pro1377Ser) is a missense variant that results in the substitution of proline with serine. Population frequency is inconsistent with a disease-causing role for this variant, and observations in unaffected individuals support a benign interpretation. Therefore, based on the currently available evidence, this variant is classified as benign.

ARUP Laboratories, Molecular Genetics and Genomics, ARUP Laboratories
Classification: Benign. Last evaluated: 2025-07-29. Review status: criteria provided, single submitter. Criteria: ARUP Molecular Germline Variant Investigation Process 2024. Collection method: clinical testing. Allele origin: germline.

Blueprint Genetics
Classification: Likely benign. Last evaluated: 2024-11-27. Review status: criteria provided, single submitter. Criteria: ACMG Guidelines, 2015. Collection method: clinical testing. Allele origin: germline.

CeGaT Center for Human Genetics Tuebingen
Classification: Benign. Last evaluated: 2024-04-01. Review status: criteria provided, single submitter. Criteria: CeGaT Center For Human Genetics Tuebingen Variant Classification Criteria Version 2. Collection method: clinical testing. Allele origin: germline. Affected: yes. Observed: 1 variant allele.
Comment: NOTCH1: BP4, BS1, BS2

Women's Health and Genetics/Laboratory Corporation of America, LabCorp
Classification: Likely benign. Last evaluated: 2023-07-21. Review status: criteria provided, single submitter. Criteria: LabCorp Variant Classification Summary - May 2015. Collection method: clinical testing. Allele origin: germline.

CHEO Genetics Diagnostic Laboratory, Children's Hospital of Eastern Ontario
Classification: Benign for Familial thoracic aortic aneurysm and aortic dissection. Last evaluated: 2022-11-07. Review status: criteria provided, single submitter. Criteria: ACMG Guidelines, 2015. Collection method: clinical testing. Allele origin: germline.

Genome-Nilou Lab
Classification: Benign for Adams-Oliver syndrome 5. Last evaluated: 2022-03-15. Review status: criteria provided, single submitter. Criteria: ACMG Guidelines, 2015. Collection method: clinical testing. Allele origin: germline. Affected: no.

Genome-Nilou Lab
Classification: Benign for Aortic valve disease 1. Last evaluated: 2022-03-15. Review status: criteria provided, single submitter. Criteria: ACMG Guidelines, 2015. Collection method: clinical testing. Allele origin: germline. Affected: no.

Fulgent Genetics
Classification: Benign for Aortic valve disease 1; Adams-Oliver syndrome 5. Last evaluated: 2021-11-07. Review status: criteria provided, single submitter. Criteria: ACMG Guidelines, 2015. Collection method: clinical testing. Allele origin: unknown.

Mayo Clinic Laboratories, Mayo Clinic
Classification: Benign. Last evaluated: 2017-11-28. Review status: criteria provided, single submitter. Criteria: ACMG Guidelines, 2015. Collection method: clinical testing. Allele origin: germline. Observed: 54 variant alleles.

GeneDx
Classification: Benign. Last evaluated: 2016-10-12. Review status: criteria provided, single submitter. Criteria: GeneDx Variant Classification (06012015). Collection method: clinical testing. Allele origin: germline. Affected: yes.
Comment: This variant is considered likely benign or benign based on one or more of the following criteria: it is a conservative change, it occurs at a poorly conserved position in the protein, it is predicted to be benign by multiple in silico algorithms, and/or has population frequency not consistent with disease.

Eurofins Ntd Llc (ga)
Classification: Benign. Last evaluated: 2015-08-03. Review status: criteria provided, single submitter. Criteria: EGL Classification Definitions 2015. Collection method: clinical testing. Allele origin: germline. Observed: 1 variant allele, 1 heterozygote.

Ambry Genetics
Classification: Benign for Familial thoracic aortic aneurysm and aortic dissection. Last evaluated: 2015-02-11. Review status: criteria provided, single submitter. Criteria: Ambry Variant Classification Scheme 2023. Collection method: clinical testing. Allele origin: germline.

Breakthrough Genomics
Classification: Benign. Review status: criteria provided, single submitter. Criteria: ACMG Guidelines, 2015. Collection method: not provided. Allele origin: germline. Inheritance: Autosomal dominant inheritance. Affected: yes.

ITMI
No classification provided. Condition: AllHighlyPenetrant. Last evaluated: 2013-09-19. Review status: no classification provided. Collection method: reference population. Allele origin: germline. Not counted in ClinVar's aggregate classification.
Comment: Please see associated publication for description of ethnicities

Clinical Genetics DNA and cytogenetics Diagnostics Lab, Erasmus MC, Erasmus Medical Center
Classification: Benign. Review status: no assertion criteria provided. Collection method: clinical testing. Allele origin: germline. Affected: yes. Study: VKGL Data-share Consensus. Not counted in ClinVar's aggregate classification.

Genome Diagnostics Laboratory, Amsterdam University Medical Center
Classification: Benign. Review status: no assertion criteria provided. Collection method: clinical testing. Allele origin: germline. Affected: yes. Study: VKGL Data-share Consensus. Not counted in ClinVar's aggregate classification.

Genome Diagnostics Laboratory, University Medical Center Utrecht
Classification: Benign. Review status: no assertion criteria provided. Collection method: clinical testing. Allele origin: germline. Affected: yes. Study: VKGL Data-share Consensus. Not counted in ClinVar's aggregate classification.

Joint Genome Diagnostic Labs from Nijmegen and Maastricht, Radboudumc and MUMC+
Classification: Benign. Review status: no assertion criteria provided. Collection method: clinical testing. Allele origin: germline. Affected: yes. Study: VKGL Data-share Consensus. Not counted in ClinVar's aggregate classification.

Laboratory of Diagnostic Genome Analysis, Leiden University Medical Center (LUMC)
Classification: Benign. Review status: no assertion criteria provided. Collection method: clinical testing. Allele origin: germline. Affected: yes. Study: VKGL Data-share Consensus. Not counted in ClinVar's aggregate classification.

Dept. of Cytogenetics, ICMR- National Institute of Immunohaematology
Classification: Pathogenic for Myeloproliferative neoplasm, unclassifiable. Last evaluated: 2022-08-25. Review status: flagged submission. Criteria: Oncogenicity SOP (ClinGen, CGC, VICC guidelines) 2022. Collection method: clinical testing. Allele origin: somatic. Affected: yes. Observed: 2 variant alleles. Not counted in ClinVar's aggregate classification.
ClinVar note: Reason: Outlier claim with insufficient supporting evidence

Literature cited by the submitters: PubMed 24943832 (cited by Women's Health and Genetics/Laboratory Corporation of America, LabCorp); PubMed 16614245 (cited by Women's Health and Genetics/Laboratory Corporation of America, LabCorp); PubMed 21670202 (cited by Women's Health and Genetics/Laboratory Corporation of America, LabCorp); PubMed 22210878 (cited by Women's Health and Genetics/Laboratory Corporation of America, LabCorp); PubMed 19635999 (cited by Women's Health and Genetics/Laboratory Corporation of America, LabCorp); PubMed 26837699 (cited by Women's Health and Genetics/Laboratory Corporation of America, LabCorp); PubMed 23086750 (cited by Women's Health and Genetics/Laboratory Corporation of America, LabCorp); PubMed 19245433 (cited by Women's Health and Genetics/Laboratory Corporation of America, LabCorp); PubMed 22077063 (cited by Women's Health and Genetics/Laboratory Corporation of America, LabCorp); PubMed 15472075 (cited by Women's Health and Genetics/Laboratory Corporation of America, LabCorp); PubMed 23734977 (cited by Women's Health and Genetics/Laboratory Corporation of America, LabCorp); PubMed 22858860 (cited by Women's Health and Genetics/Laboratory Corporation of America, LabCorp); PubMed 24728327 (cited by ITMI).

NM_017617.5(NOTCH1):c.4129C>T (p.Pro1377Ser)

Gene: NOTCH1 (notch receptor 1; minus strand). Cytogenetic location: 9q34.3.
Variant type: single nucleotide variant.
Coding change: c.4129C>T on transcript NM_017617.5 (MANE Select); coding-DNA position 4129, C replaced by T.
Protein change: p.Pro1377Ser; replaces proline 1377 with serine.
Molecular consequence: missense variant.
Genome position (GRCh38, 1-based): chr9:136,505,767, G>A on the plus strand (C>T on the coding strand, the complement: NOTCH1 is on the minus strand). VCF-style: chr9-136505767-G-A. GRCh37 (hg19) VCF-style: chr9-139400219-G-A.
Other names: p.Pro1377Ser; c.4129C>T, p.Pro1377Ser (LRG_1122t1); c.4129C>T (NM_017617.4); short protein forms P1377S.
Identifiers: ClinVar variation 134934 (VCV000134934.63), dbSNP rs61751542, ClinGen allele CA161195.